The following is an entry in ClinVar:

NM_000057.4(BLM):c.4204C>T (p.Pro1402Ser)

Gene: BLM (BLM RecQ like helicase; plus strand). Cytogenetic location: 15q26.1.
Variant type: single nucleotide variant.
Coding change: c.4204C>T on transcript NM_000057.4 (MANE Select); coding-DNA position 4204, C replaced by T.
Protein change: p.Pro1402Ser; replaces proline 1402 with serine.
Molecular consequence: missense variant.
Genome position (GRCh38, 1-based): chr15:90,815,229, C>T. VCF-style: chr15-90815229-C-T. GRCh37 (hg19) VCF-style: chr15-91358459-C-T.
Other names: c.4204C>T, p.Pro1402Ser (NM_001287246.2); c.3811C>T, p.Pro1271Ser (NM_001287247.2); c.3079C>T, p.Pro1027Ser (NM_001287248.2); short protein forms P1027S, P1402S, P1271S.
Identifiers: ClinVar variation 3480839 (VCV003480839.1).

ClinVar aggregate classification (germline): Uncertain significance (1 of 4 stars; one submission).

Conditions:
Hereditary cancer-predisposing syndrome. Also called: Tumor predisposition; Neoplastic Syndromes, Hereditary; Hereditary Cancer Syndrome; Hereditary neoplastic syndrome. Identifiers: Orphanet 140162, MedGen C0027672, MeSH D009386, MONDO:0015356.

gnomAD v4.1: 1 of 1,614,196 alleles (0.000062%); highest among the groups gnomAD compares: South Asian, 0.0011%; no homozygotes.

Submission:

Ambry Genetics
Classification: Uncertain significance for Hereditary cancer-predisposing syndrome. Last evaluated: 2024-08-25. Review status: criteria provided, single submitter. Criteria: Ambry Variant Classification Scheme 2023. Collection method: clinical testing. Allele origin: germline.
Comment: The p.P1402S variant (also known as c.4204C>T), located in coding exon 21 of the BLM gene, results from a C to T substitution at nucleotide position 4204. The proline at codon 1402 is replaced by serine, an amino acid with similar properties. This amino acid position is conserved. In addition, the in silico prediction for this alteration is inconclusive. Based on the available evidence, the clinical significance of this variant remains unclear.